The following is an entry in ClinVar:

NM_003922.4(HERC1):c.999C>T (p.Tyr333=)

Gene: HERC1 (HECT and RLD domain containing E3 ubiquitin protein ligase family member 1; minus strand). Cytogenetic location: 15q22.31.
Variant type: single nucleotide variant.
Coding change: c.999C>T on transcript NM_003922.4 (MANE Select); coding-DNA position 999, C replaced by T.
Protein change: p.Tyr333=; no amino-acid change (tyrosine 333 retained).
Molecular consequence: synonymous variant.
Genome position (GRCh38, 1-based): chr15:63,764,123, G>A on the plus strand (C>T on the coding strand, the complement: HERC1 is on the minus strand). VCF-style: chr15-63764123-G-A. GRCh37 (hg19) VCF-style: chr15-64056322-G-A.
Identifiers: ClinVar variation 746680 (VCV000746680.33), dbSNP rs200680431, ClinGen allele CA7606556.
Genomic context (GRCh38, chr15:63,764,123, plus strand): 5'-GTTGTTAATACAAAAGCCACGATTATTACGTACCTCTTCAAAGAGACATAATGCTGCCTC[G>A]TAAAGGGAGCACAAGCCATCCGATGTTCTGGTTGGTTCTCTCCACTGACTCCGATCAGCA-3'
Protein context (NP_003913.3, residues 323-343): TRTSDGLCSL[Tyr333=]EAALCLFEEV

ClinVar aggregate classification (germline): Benign/Likely benign. Review status: criteria provided, multiple submitters, no conflicts (2 of 4 stars). 3 submissions from 3 submitters: Benign (1); Likely benign (2). Last evaluated 2026-01-26.

Allele frequency attached by ClinVar (database versions not stated): gnomAD exomes 0.00015 and 0.00033; ExAC 0.00049; 1000 Genomes Project 30x 0.00078; 1000 Genomes Project 0.00080; gnomAD 0.00123 and 0.00132; ESP Exome Variant Server 0.00126; TOPMed 0.00139.
gnomAD v4.1: 417 of 1,609,740 alleles (0.026%); highest among the groups gnomAD compares: African/African-American, 0.47%; 1 homozygote.

Submissions (3):

Labcorp Genetics (formerly Invitae), Labcorp
Classification: Benign. Last evaluated: 2026-01-26. Review status: criteria provided, single submitter. Criteria: Invitae Variant Classification Sherloc (09022015). Collection method: clinical testing. Allele origin: germline.

Blueprint Genetics
Classification: Likely benign. Last evaluated: 2024-11-26. Review status: criteria provided, single submitter. Criteria: ACMG Guidelines, 2015. Collection method: clinical testing. Allele origin: germline.

CeGaT Center for Human Genetics Tuebingen
Classification: Likely benign. Last evaluated: 2022-11-01. Review status: criteria provided, single submitter. Criteria: CeGaT Center For Human Genetics Tuebingen Variant Classification Criteria Version 2. Collection method: clinical testing. Allele origin: germline. Affected: yes. Observed: 2 variant alleles.
Comment: HERC1: BP4, BP7